The following is an entry in ClinVar:

ClinVar aggregate classification (germline): Uncertain significance. Review status: criteria provided, multiple submitters, no conflicts (2 of 4 stars). 2 submissions from 2 submitters: Uncertain significance (2). Last evaluated 2021-12-03.

Conditions:
Autosomal recessive ataxia, Beauce type. Also called: SYNE1-Related Autosomal Recessive Cerebellar Ataxia; Spinocerebellar ataxia, autosomal recessive 8; ATAXIA, RECESSIVE, OF BEAUCE; SYNE1 Deficiency. Identifiers: Orphanet 88644, MedGen C1853116, MONDO:0012549, OMIM 610743.
Emery-Dreifuss muscular dystrophy 4, autosomal dominant (EDMD4). Also called: EMERY-DREIFUSS MUSCULAR DYSTROPHY 4 WITH VARIABLE FEATURES. Identifiers: Orphanet 261, MedGen C2751807, MONDO:0013071, OMIM 612998.

Allele frequency attached by ClinVar (database versions not stated): gnomAD 0.00001; TOPMed 0.00001.
gnomAD v4.1: 21 of 1,613,826 alleles (0.0013%); highest among the groups gnomAD compares: Non-Finnish European, 0.0016%; no homozygotes.

Submissions (2):

Labcorp Genetics (formerly Invitae), Labcorp
Classification: Uncertain significance for Emery-Dreifuss muscular dystrophy 4, autosomal dominant; Autosomal recessive ataxia, Beauce type. Last evaluated: 2021-12-03. Review status: criteria provided, single submitter. Criteria: Invitae Variant Classification Sherloc (09022015). Collection method: clinical testing. Allele origin: germline.
Comment: This sequence change replaces arginine, which is basic and polar, with tryptophan, which is neutral and slightly polar, at codon 475 of the SYNE1 protein (p.Arg475Trp). This variant is not present in population databases (gnomAD no frequency). This variant has not been reported in the literature in individuals affected with SYNE1-related conditions. Algorithms developed to predict the effect of missense changes on protein structure and function are either unavailable or do not agree on the potential impact of this missense change (SIFT: "Deleterious"; PolyPhen-2: "Possibly Damaging"; Align-GVGD: "Class C0"). In summary, the available evidence is currently insufficient to determine the role of this variant in disease. Therefore, it has been classified as a Variant of Uncertain Significance.

Revvity Omics, Revvity
Classification: Uncertain significance. Last evaluated: 2020-02-20. Review status: criteria provided, single submitter. Criteria: ACMG Guidelines, 2015. Collection method: clinical testing. Allele origin: germline.

NM_182961.4(SYNE1):c.1402C>T (p.Arg468Trp)

Gene: SYNE1 (spectrin repeat containing nuclear envelope protein 1; minus strand). Cytogenetic location: 6q25.2.
Variant type: single nucleotide variant.
Coding change: c.1402C>T on transcript NM_182961.4 (MANE Select); coding-DNA position 1402, C replaced by T.
Protein change: p.Arg468Trp; replaces arginine 468 with tryptophan.
Molecular consequence: missense variant.
Genome position (GRCh38, 1-based): chr6:152,472,362, G>A on the plus strand (C>T on the coding strand, the complement: SYNE1 is on the minus strand). VCF-style: chr6-152472362-G-A. GRCh37 (hg19) VCF-style: chr6-152793497-G-A.
Other names: c.1423C>T (NM_033071.3); c.1423C>T, p.Arg475Trp (NM_033071.5); short protein forms R475W, R468W.
Identifiers: ClinVar variation 1466529 (VCV001466529.8), dbSNP rs1469601635, ClinGen allele CA366134186.
Genomic context (GRCh38, chr6:152,472,362, plus strand): 5'-TCTCGGCCATGTCCTCTAATTGATCAGGTGGCACTGGAATCCCGTTAACAGACCTGGTCC[G>A]GTAGATTTCATGGAATGCTCTTTTGTGGGCATCCGTGTTTTGAAGCAGATCCTAAGATAC-3'
Protein context (NP_892006.3, residues 458-478): AHKRAFHEIY[Arg468Trp]TRSVNGIPVP